The following is an entry in ClinVar:

ClinVar aggregate classification (germline): Likely benign. Review status: criteria provided, multiple submitters, no conflicts (2 of 4 stars). 5 submissions from 5 submitters: Likely benign (4). 1 of the submissions does not count toward it. Last evaluated 2026-04-01.

Conditions:
FAT4-related disorder. Also called: FAT4-related condition.

Allele frequency attached by ClinVar (database versions not stated): gnomAD exomes 0.00018 and 0.00051; ExAC 0.00054; ESP Exome Variant Server 0.00177; 1000 Genomes Project 0.00200; gnomAD 0.00206 and 0.00217; TOPMed 0.00214; 1000 Genomes Project 30x 0.00234.
gnomAD v4.1: 595 of 1,614,162 alleles (0.037%); highest among the groups gnomAD compares: African/African-American, 0.68%; 2 homozygotes.

Submissions (5):

CeGaT Center for Human Genetics Tuebingen
Classification: Likely benign. Last evaluated: 2026-04-01. Review status: criteria provided, single submitter. Criteria: CeGaT Center For Human Genetics Tuebingen Variant Classification Criteria Version 2. Collection method: clinical testing. Allele origin: germline. Affected: yes. Observed: 1 variant allele.
Comment: FAT4: BP4

Labcorp Genetics (formerly Invitae), Labcorp
Classification: Likely benign. Last evaluated: 2026-01-26. Review status: criteria provided, single submitter. Criteria: Invitae Variant Classification Sherloc (09022015). Collection method: clinical testing. Allele origin: germline.

GeneDx
Classification: Likely benign. Last evaluated: 2018-10-10. Review status: criteria provided, single submitter. Criteria: GeneDx Variant Classification Process June 2021. Collection method: clinical testing. Allele origin: germline. Affected: yes.

Breakthrough Genomics
Classification: Likely benign. Review status: criteria provided, single submitter. Criteria: ACMG Guidelines, 2015. Collection method: not provided. Allele origin: germline. Inheritance: Autosomal recessive inheritance. Affected: yes.

PreventionGenetics, part of Exact Sciences
Classification: Likely benign for FAT4-related condition. Last evaluated: 2020-04-17. Review status: no assertion criteria provided. Collection method: clinical testing. Allele origin: germline. Not counted in ClinVar's aggregate classification.
Comment: This variant is classified as likely benign based on ACMG/AMP sequence variant interpretation guidelines (Richards et al. 2015 PMID: 25741868, with internal and published modifications).

NM_001291303.3(FAT4):c.14159C>G (p.Ala4720Gly)

Gene: FAT4 (FAT atypical cadherin 4; plus strand). Cytogenetic location: 4q28.1.
Variant type: single nucleotide variant.
Coding change: c.14159C>G on transcript NM_001291303.3 (MANE Select); coding-DNA position 14159, C replaced by G.
Protein change: p.Ala4720Gly; replaces alanine 4720 with glycine.
Molecular consequence: missense variant.
Genome position (GRCh38, 1-based): chr4:125,490,975, C>G. VCF-style: chr4-125490975-C-G. GRCh37 (hg19) VCF-style: chr4-126412130-C-G.
Other names: c.14156C>G, p.Ala4719Gly (NM_001291285.3); c.14153C>G, p.Ala4718Gly (NM_024582.6); short protein forms A4720G, A4718G, A4719G.
Identifiers: ClinVar variation 787279 (VCV000787279.16), dbSNP rs76607227, ClinGen allele CA3074515.